The following is an entry in ClinVar:

NM_014452.5(TNFRSF21):c.499C>T (p.Arg167Trp)

Genes: TNFRSF21 (TNF receptor superfamily member 21; minus strand), LOC126859685 (MED14-independent group 3 enhancer GRCh37_chr6:47252971-47254170; plus strand). Cytogenetic location: 6p12.3.
Variant type: single nucleotide variant.
Coding change: c.499C>T on transcript NM_014452.5 (MANE Select); coding-DNA position 499, C replaced by T.
Protein change: p.Arg167Trp; replaces arginine 167 with tryptophan.
Molecular consequence: missense variant.
Genome position (GRCh38, 1-based): chr6:47,286,193, G>A on the plus strand (C>T on the coding strand, the complement: TNFRSF21 is on the minus strand). VCF-style: chr6-47286193-G-A. GRCh37 (hg19) VCF-style: chr6-47253929-G-A.
Other names: short protein forms R167W.
Identifiers: ClinVar variation 4978586 (VCV004978586.1).

ClinVar aggregate classification (germline): Uncertain significance (1 of 4 stars; one submission).

Conditions:
TNFRSF21-related condition.

gnomAD v4.1: 34 of 1,614,064 alleles (0.0021%); highest among the groups gnomAD compares: Admixed American, 0.015%; 1 homozygote.

Submission:

PreventionGenetics, part of Exact Sciences
Classification: Uncertain significance for TNFRSF21-related condition. Last evaluated: 2026-06-20. Review status: criteria provided, single submitter. Criteria: ACMG Guidelines, 2015. Collection method: clinical testing. Allele origin: germline.
Comment: The TNFRSF21 c.499C>T variant is predicted to result in the amino acid substitution p.Arg167Trp. To our knowledge, this variant has not been reported in the literature. This variant is present in 0.023% of alleles in individuals of Latino descent in gnomAD. At this time, the clinical significance of this variant is uncertain due to the absence of conclusive functional and genetic evidence.